The following is an entry in ClinVar:

GRCh38/hg38 1q43-44(chr1:242164274-245299473)x1

Genes: ADSS2 (adenylosuccinate synthase 2; minus strand), AKT3 (AKT serine/threonine kinase 3; minus strand), AKT3-IT1 (AKT3 intronic transcript 1; minus strand), C1orf202 (chromosome 1 open reading frame 202; minus strand), CATSPERE (catsper channel auxiliary subunit epsilon; plus strand) and 70 more. Cytogenetic location: 1q43-44.
Variant type: copy number loss.
Change: copy number 1 (one copy instead of two) of chr1:242,164,274-245,299,473 (3.14 Mb, GRCh38 coordinates, 1-based), cytogenetic band 1q43-44.
Identifiers: ClinVar variation 2579277 (VCV002579277.1).

ClinVar aggregate classification (germline): Pathogenic (1 of 4 stars; one submission).

Conditions:
Intellectual developmental disorder, autosomal dominant 22. Also called: Intellectual disability, autosomal dominant 22. Identifiers: MedGen CN029689, MONDO:0012869, OMIM 612337.

Submission:

Broad Center for Mendelian Genomics, Broad Institute of MIT and Harvard
Classification: Pathogenic for Intellectual developmental disorder, autosomal dominant 22. Last evaluated: 2023-08-24. Review status: criteria provided, single submitter. Criteria: ACMG/ClinGen CNV Guidelines, 2019. Collection method: research. Allele origin: de novo. Inheritance: Autosomal dominant inheritance. Affected: yes.
Comment: A confirmed de novo heterozygous deletion of 1q43-q44 encompassing 11 genes was identified by exome sequencing and confirmed by qPCR in one individual with chromosome 1p36 deletion syndrome ([GRCh38] chr1:242164274_245299473x1)(PMID: 24098143). The patient phenotype is nonspecific, but is consistent with cases described in the literature and/or published databases with overlapping variants. There is complete overlap with the ZBTB18 gene and 1q43q44 terminal region (includes AKT3) which are known to be haploinsufficient and have been assessed by the ClinGen Dosage Sensitivity Working Group. In summary, this variant meets criteria to be classified as pathogenic for autosomal dominant 1p36 deletion syndrome. The ACMG/ClinGen evidence codes and points used in this curation are as follows: 1: 0 points, 2: 1.00 points, 3: 0 points, 4-5: 0.15 points; Total: 1.15 points; Riggs 2020 (PMID: 31690835)

Literature cited by the submitters: PubMed 24098143.